The following is an entry in ClinVar:

NM_004612.4(TGFBR1):c.806-3C>T

Gene: TGFBR1 (transforming growth factor beta receptor 1; plus strand). Cytogenetic location: 9q22.33.
Variant type: single nucleotide variant.
Coding change: c.806-3C>T on transcript NM_004612.4 (MANE Select); 3 bases into the intron before coding-DNA position 806, C replaced by T.
Molecular consequence: intron variant.
Genome position (GRCh38, 1-based): chr9:99,142,533, C>T. VCF-style: chr9-99142533-C-T. GRCh37 (hg19) VCF-style: chr9-101904815-C-T.
Other names: c.611-3C>T (NM_001407418.1, NM_001407419.1, NM_001407422.1 and 1 more transcripts); c.599-3C>T (NM_001407423.1, NM_001407424.1, NM_001407425.1 and 8 more transcripts); c.818-3C>T (NM_001306210.2); c.818-2199C>T (NM_001407416.1); c.806-2199C>T (NM_001407417.1); c.575-3C>T (NM_001407435.1, NM_001130916.3); c.560-3C>T (NM_001407436.1); c.329-3C>T (NM_001407438.1); and 1 more.
Identifiers: ClinVar variation 3071220 (VCV003071220.1), dbSNP rs2118776163, ClinGen allele CA2720303338.

ClinVar aggregate classification (germline): Likely benign (1 of 4 stars; one submission).

Conditions:
Loeys-Dietz syndrome (LDS). Identifiers: Orphanet 60030, MedGen C2697932, MONDO:0018954.

Submission:

All of Us Research Program, National Institutes of Health
Classification: Likely benign for Loeys-Dietz syndrome. Last evaluated: 2023-05-16. Review status: criteria provided, single submitter. Criteria: ACMG Guidelines, 2015. Collection method: clinical testing. Allele origin: germline. Inheritance: Autosomal dominant inheritance. Observed: 1 variant allele, 1 heterozygote.
Comment: This study involves interpretation of variants in research participants for the purpose of population health screening. Participant phenotype was not available at the time of variant classification. Additional details can be found in publication PMID: 35346344, PMCID: PMC8962531